The following is an entry in ClinVar:

NM_177438.3(DICER1):c.4063A>T (p.Asn1355Tyr)

Gene: DICER1 (dicer 1, ribonuclease III; minus strand). Cytogenetic location: 14q32.13.
Variant type: single nucleotide variant.
Coding change: c.4063A>T on transcript NM_177438.3 (MANE Select); coding-DNA position 4063, A replaced by T.
Protein change: p.Asn1355Tyr; replaces asparagine 1355 with tyrosine.
Molecular consequence: missense variant.
Genome position (GRCh38, 1-based): chr14:95,099,923, T>A on the plus strand (A>T on the coding strand, the complement: DICER1 is on the minus strand). VCF-style: chr14-95099923-T-A. GRCh37 (hg19) VCF-style: chr14-95566260-T-A.
Other names: c.4063A>T, p.Asn1355Tyr (NM_001195573.1, NM_001271282.3, NM_001291628.2 and 1 more transcripts); short protein forms N1355Y.
Identifiers: ClinVar variation 824555 (VCV000824555.4), dbSNP rs1595353916, ClinGen allele CA390872297.
Genomic context (GRCh38, chr14:95,099,923, plus strand): 5'-CAAATATTGACACCACCATGCGGCTGGGTAGTCCCTTCTTTTTTCCAAGGCGATACAGAT[T>A]ACAGTTGCTGACCTTTAGCAGAAAATATTAGGATACTTATCCATAAATGATCACTGCTGG-3'
Protein context (NP_803187.1, residues 1345-1365): YMRSKKVSNC[Asn1355Tyr]LYRLGKKKGL

ClinVar aggregate classification (germline): Uncertain significance (1 of 4 stars; one submission).

Conditions:
Hereditary cancer-predisposing syndrome. Also called: Neoplastic Syndromes, Hereditary; Tumor predisposition; Hereditary neoplastic syndrome; Hereditary Cancer Syndrome. Identifiers: Orphanet 140162, MedGen C0027672, MeSH D009386, MONDO:0015356.

Submission:

Ambry Genetics
Classification: Uncertain significance for Hereditary cancer-predisposing syndrome. Last evaluated: 2019-07-03. Review status: criteria provided, single submitter. Criteria: Ambry Variant Classification Scheme 2023. Collection method: clinical testing. Allele origin: germline.
Comment: The p.N1355Y variant (also known as c.4063A>T), located in coding exon 21 of the DICER1 gene, results from an A to T substitution at nucleotide position 4063. The asparagine at codon 1355 is replaced by tyrosine, an amino acid with dissimilar properties. This amino acid position is highly conserved in available vertebrate species. In addition, this alteration is predicted to be deleterious by in silico analysis. Since supporting evidence is limited at this time, the clinical significance of this alteration remains unclear.